The following is an entry in ClinVar:

ClinVar aggregate classification (germline): Uncertain significance (1 of 4 stars; one submission).

Allele frequency attached by ClinVar (database versions not stated): gnomAD exomes below 0.00001.
gnomAD v4.1: 2 of 1,613,922 alleles (0.00012%); highest among the groups gnomAD compares: Non-Finnish European, 0.00017%; no homozygotes.

Submission:

Labcorp Genetics (formerly Invitae), Labcorp
Classification: Uncertain significance. Last evaluated: 2024-10-29. Review status: criteria provided, single submitter. Criteria: Invitae Variant Classification Sherloc (09022015). Collection method: clinical testing. Allele origin: germline.
Comment: This sequence change replaces glycine, which is neutral and non-polar, with alanine, which is neutral and non-polar, at codon 303 of the RIMS1 protein (p.Gly303Ala). This variant is present in population databases (no rsID available, gnomAD 0.0009%). This variant has not been reported in the literature in individuals affected with RIMS1-related conditions. ClinVar contains an entry for this variant (Variation ID: 1464191). An algorithm developed to predict the effect of missense changes on protein structure and function outputs the following: PolyPhen-2: "Benign". The alanine amino acid residue is found in multiple mammalian species, which suggests that this missense change does not adversely affect protein function. In summary, the available evidence is currently insufficient to determine the role of this variant in disease. Therefore, it has been classified as a Variant of Uncertain Significance.

NM_014989.7(RIMS1):c.908G>C (p.Gly303Ala)

Gene: RIMS1 (regulating synaptic membrane exocytosis 1; plus strand). Cytogenetic location: 6q13.
Variant type: single nucleotide variant.
Coding change: c.908G>C on transcript NM_014989.7 (MANE Select); coding-DNA position 908, G replaced by C.
Protein change: p.Gly303Ala; replaces glycine 303 with alanine.
Molecular consequence: missense variant.
Genome position (GRCh38, 1-based): chr6:72,182,379, G>C. VCF-style: chr6-72182379-G-C. GRCh37 (hg19) VCF-style: chr6-72892082-G-C.
Other names: short protein forms G303A.
Identifiers: ClinVar variation 1464191 (VCV001464191.6), dbSNP rs1227363529, ClinGen allele CA364819757.